The following is an entry in ClinVar:

ClinVar aggregate classification (germline): Benign. Review status: criteria provided, multiple submitters, no conflicts (2 of 4 stars). 9 submissions from 9 submitters: Benign (8). 1 of the submissions does not count toward it. Last evaluated 2026-02-03.

Conditions:
Familial sleep-related hypermotor epilepsy. Also called: Autosomal Dominant Sleep-Related Hypermotor (Hyperkinetic) Epilepsy. Identifiers: Orphanet 98784, MedGen C3696898, MONDO:0000030.
Inborn genetic diseases. Identifiers: MedGen C0950123, MeSH D030342.
Autosomal dominant nocturnal frontal lobe epilepsy 4. Also called: CHRNA2-Related Nocturnal Frontal Lobe Epilepsy, Autosomal Dominant; EPILEPSY, FAMILIAL, WITH NOCTURNAL WANDERING AND ICTAL FEAR. Identifiers: Orphanet 98784, MedGen C1835905, MONDO:0012474, OMIM 610353.

Allele frequency attached by ClinVar (database versions not stated): gnomAD 0.17492 and 0.17653; gnomAD exomes 0.17016 and 0.14468; 1000 Genomes Project 30x 0.23829; TOPMed 0.17998; 1000 Genomes Project 0.23782; ESP Exome Variant Server 0.16715; ExAC 0.17010.

Submissions (9):

Labcorp Genetics (formerly Invitae), Labcorp
Classification: Benign. Last evaluated: 2026-02-03. Review status: criteria provided, single submitter. Criteria: Invitae Variant Classification Sherloc (09022015). Collection method: clinical testing. Allele origin: germline.

Unidad de Genómica Garrahan, Hospital de Pediatría Garrahan
Classification: Benign. Last evaluated: 2024-07-15. Review status: criteria provided, single submitter. Criteria: ACMG Guidelines, 2015. Collection method: clinical testing. Allele origin: germline. Affected: no. Observed: 28 variant alleles.
Comment: This variant is classified as Benign based on local population frequency. This variant was detected in 30% of patients studied in a panel designed for Epileptic and Developmental Encephalopathy and Progressive Myoclonus Epilepsy. Number of patients: 28. Only high quality variants are reported.

Mayo Clinic Laboratories, Mayo Clinic
Classification: Benign. Last evaluated: 2018-07-02. Review status: criteria provided, single submitter. Criteria: ACMG Guidelines, 2015. Collection method: clinical testing. Allele origin: germline. Observed: 135 variant alleles.

Illumina Laboratory Services, Illumina
Classification: Benign for Autosomal dominant nocturnal frontal lobe epilepsy 4. Last evaluated: 2018-01-13. Review status: criteria provided, single submitter. Criteria: ICSL Variant Classification Criteria 13 December 2019. Collection method: clinical testing. Allele origin: germline.
Comment: This variant was observed in the ICSL laboratory as part of a predisposition screen in an ostensibly healthy population. It had not been previously curated by ICSL or reported in the Human Gene Mutation Database (HGMD: prior to June 1st, 2018), and was therefore a candidate for classification through an automated scoring system. Utilizing variant allele frequency, disease prevalence and penetrance estimates, and inheritance mode, an automated score was calculated to assess if this variant is too frequent to cause the disease. Based on the score and internal cut-off values, a variant classified as benign is not then subjected to further curation. The score for this variant resulted in a classification of benign for this disease.

Ambry Genetics
Classification: Benign for Inborn genetic diseases. Last evaluated: 2016-01-08. Review status: criteria provided, single submitter. Criteria: Ambry Variant Classification Scheme 2023. Collection method: clinical testing. Allele origin: germline.

Eurofins Ntd Llc (ga)
Classification: Benign. Last evaluated: 2015-10-22. Review status: criteria provided, single submitter. Criteria: EGL Classification Definitions 2015. Collection method: clinical testing. Allele origin: germline. Observed: 2 variant alleles, 2 heterozygotes.

GeneDx
Classification: Benign. Last evaluated: 2015-03-03. Review status: criteria provided, single submitter. Criteria: GeneDx Variant Classification Process June 2021. Collection method: clinical testing. Allele origin: germline. Affected: yes.

Breakthrough Genomics
Classification: Benign. Review status: criteria provided, single submitter. Criteria: ACMG Guidelines, 2015. Collection method: not provided. Allele origin: germline. Inheritance: Autosomal dominant inheritance. Affected: yes.

Genetic Services Laboratory, University of Chicago
Classification: Likely benign for AllHighlyPenetrant. Review status: no assertion criteria provided. Collection method: clinical testing. Allele origin: germline. Inheritance: Autosomal dominant inheritance. Not counted in ClinVar's aggregate classification.
Comment: Likely benign based on allele frequency in 1000 Genomes Project or ESP global frequency and its presence in a patient with a rare or unrelated disease phenotype. NOT Sanger confirmed.

NM_000742.4(CHRNA2):c.351C>T (p.Asp117=)

Gene: CHRNA2 (cholinergic receptor nicotinic alpha 2 subunit; minus strand). Cytogenetic location: 8p21.2.
Variant type: single nucleotide variant.
Coding change: c.351C>T on transcript NM_000742.4 (MANE Select); coding-DNA position 351, C replaced by T.
Protein change: p.Asp117=; no amino-acid change (aspartic acid 117 retained).
Molecular consequence: synonymous variant. On other transcripts: 5 prime UTR variant (4).
Genome position (GRCh38, 1-based): chr8:27,467,327, G>A on the plus strand (C>T on the coding strand, the complement: CHRNA2 is on the minus strand). VCF-style: chr8-27467327-G-A. GRCh37 (hg19) VCF-style: chr8-27324844-G-A.
Other names: p.Asp117=; c.306C>T, p.Asp102= (NM_001282455.2); c.-122C>T (NM_001347705.2, NM_001347706.2); c.-108C>T (NM_001347707.2); c.-111C>T (NM_001347708.2).
Identifiers: ClinVar variation 128738 (VCV000128738.29), dbSNP rs2565061, ClinGen allele CA152379.